The following is an entry in ClinVar:

NM_030962.4(SBF2):c.1263T>C (p.Gly421=)

Gene: SBF2 (SET binding factor 2; minus strand). Cytogenetic location: 11p15.4.
Variant type: single nucleotide variant.
Coding change: c.1263T>C on transcript NM_030962.4 (MANE Select); coding-DNA position 1263, T replaced by C.
Protein change: p.Gly421=; no amino-acid change (glycine 421 retained).
Molecular consequence: synonymous variant. On other transcripts: intron variant (1).
Genome position (GRCh38, 1-based): chr11:9,992,448, A>G on the plus strand (T>C on the coding strand, the complement: SBF2 is on the minus strand). VCF-style: chr11-9992448-A-G. GRCh37 (hg19) VCF-style: chr11-10013995-A-G.
Other names: c.1263T>C, p.Gly421= (NM_001386339.1); c.1299T>C, p.Gly433= (NM_001424318.1, NM_001425069.1, NM_001425070.1); c.1167+542T>C (NM_001386342.1).
Identifiers: ClinVar variation 4980638 (VCV004980638.1).
Genomic context (GRCh38, chr11:9,992,448, plus strand): 5'-AATGCCTTCATTTAATAAGAGCTATACCTCATCAAAGAGATCACAAGATCTATAAGGAGG[A>G]CCTCTTTCTGAAACAAAACCTGCAAATGCCATTCCACTGAGTACTTTAGTGAGGAAATCA-3'
Protein context (NP_112224.1, residues 411-431): MAFAGFVSER[Gly421=]PPYRSCDLFD

ClinVar aggregate classification (germline): Likely benign (1 of 4 stars; one submission).

Conditions:
SBF2-related disorder. Also called: SBF2-related condition.

gnomAD v4.1: 2 of 1,613,212 alleles (0.00012%); highest among the groups gnomAD compares: Non-Finnish European, 0.000085%; no homozygotes.

Submission:

PreventionGenetics, part of Exact Sciences
Classification: Likely benign for SBF2-related condition. Last evaluated: 2026-03-25. Review status: criteria provided, single submitter. Criteria: ACMG Guidelines, 2015. Collection method: clinical testing. Allele origin: germline.
Comment: This variant is classified as likely benign based on ACMG/AMP sequence variant interpretation guidelines (Richards et al. 2015 PMID: 25741868, with internal and published modifications).